The following is an entry in ClinVar:

NM_022081.6(HPS4):c.889G>A (p.Ala297Thr)

Gene: HPS4 (HPS4 biogenesis of lysosomal organelles complex 3 subunit 2; minus strand). Cytogenetic location: 22q12.1.
Variant type: single nucleotide variant.
Coding change: c.889G>A on transcript NM_022081.6 (MANE Select); coding-DNA position 889, G replaced by A.
Protein change: p.Ala297Thr; replaces alanine 297 with threonine.
Molecular consequence: missense variant. On other transcripts: non-coding transcript variant (8).
Genome position (GRCh38, 1-based): chr22:26,464,741, C>T on the plus strand (G>A on the coding strand, the complement: HPS4 is on the minus strand). VCF-style: chr22-26464741-C-T. GRCh37 (hg19) VCF-style: chr22-26860707-C-T.
Other names: c.889G>A, p.Ala297Thr (NM_001349896.1, NM_001349898.2, NM_001349899.2 and 4 more transcripts); c.943G>A, p.Ala315Thr (NM_001349900.2, NM_001349901.1); c.874G>A, p.Ala292Thr (NM_152841.2); short protein forms A297T, A292T, A315T.
Identifiers: ClinVar variation 1415188 (VCV001415188.7), dbSNP rs375477724, ClinGen allele CA10163451.

ClinVar aggregate classification (germline): Uncertain significance (1 of 4 stars; one submission).

Allele frequency attached by ClinVar (database versions not stated): gnomAD exomes below 0.00001 and 0.00001; ExAC 0.00002.
gnomAD v4.1: 6 of 1,590,598 alleles (0.00038%); highest among the groups gnomAD compares: East Asian, 0.0022%; no homozygotes.

Submission:

Labcorp Genetics (formerly Invitae), Labcorp
Classification: Uncertain significance. Last evaluated: 2025-08-03. Review status: criteria provided, single submitter. Criteria: Invitae Variant Classification Sherloc (09022015). Collection method: clinical testing. Allele origin: germline.
Comment: This sequence change replaces alanine, which is neutral and non-polar, with threonine, which is neutral and polar, at codon 297 of the HPS4 protein (p.Ala297Thr). This variant is present in population databases (rs375477724, gnomAD 0.005%). This variant has not been reported in the literature in individuals affected with HPS4-related conditions. ClinVar contains an entry for this variant (Variation ID: 1415188). An algorithm developed to predict the effect of missense changes on protein structure and function outputs the following: PolyPhen-2: "Benign". The threonine amino acid residue is found in multiple mammalian species, which suggests that this missense change does not adversely affect protein function. In summary, the available evidence is currently insufficient to determine the role of this variant in disease. Therefore, it has been classified as a Variant of Uncertain Significance.